The following is an entry in ClinVar:

ClinVar aggregate classification (germline): Uncertain significance (1 of 4 stars; one submission).

Allele frequency attached by ClinVar (database versions not stated): TOPMed below 0.00001; ExAC 0.00001; gnomAD exomes 0.00001.
gnomAD v4.1: 13 of 1,614,240 alleles (0.00081%); highest among the groups gnomAD compares: Middle Eastern, 0.033%; no homozygotes.

Submission:

Labcorp Genetics (formerly Invitae), Labcorp
Classification: Uncertain significance. Last evaluated: 2022-03-10. Review status: criteria provided, single submitter. Criteria: Invitae Variant Classification Sherloc (09022015). Collection method: clinical testing. Allele origin: germline.
Comment: In summary, the available evidence is currently insufficient to determine the role of this variant in disease. Therefore, it has been classified as a Variant of Uncertain Significance. This sequence change replaces serine, which is neutral and polar, with glycine, which is neutral and non-polar, at codon 424 of the ADAMTS17 protein (p.Ser424Gly). This variant is present in population databases (rs772150067, gnomAD 0.003%). This variant has not been reported in the literature in individuals affected with ADAMTS17-related conditions. Algorithms developed to predict the effect of missense changes on protein structure and function are either unavailable or do not agree on the potential impact of this missense change (SIFT: "Not Available"; PolyPhen-2: "Probably Damaging"; Align-GVGD: "Not Available").

NM_139057.4(ADAMTS17):c.1270A>G (p.Ser424Gly)

Gene: ADAMTS17 (ADAM metallopeptidase with thrombospondin type 1 motif 17; minus strand). Cytogenetic location: 15q26.3.
Variant type: single nucleotide variant.
Coding change: c.1270A>G on transcript NM_139057.4 (MANE Select); coding-DNA position 1270, A replaced by G.
Protein change: p.Ser424Gly; replaces serine 424 with glycine.
Molecular consequence: missense variant.
Genome position (GRCh38, 1-based): chr15:100,155,232, T>C on the plus strand (A>G on the coding strand, the complement: ADAMTS17 is on the minus strand). VCF-style: chr15-100155232-T-C. GRCh37 (hg19) VCF-style: chr15-100695437-T-C.
Other names: short protein forms S424G.
Identifiers: ClinVar variation 2414084 (VCV002414084.5), dbSNP rs772150067, ClinGen allele CA7758321.